The following is an entry in ClinVar:

ClinVar aggregate classification (germline): Uncertain significance (1 of 4 stars; one submission).

Allele frequency attached by ClinVar (database versions not stated): gnomAD exomes below 0.00001.
gnomAD v4.1: 1 of 1,613,552 alleles (0.000062%); highest among the groups gnomAD compares: Non-Finnish European, 0.000085%; no homozygotes.

Submission:

Labcorp Genetics (formerly Invitae), Labcorp
Classification: Uncertain significance. Last evaluated: 2025-05-08. Review status: criteria provided, single submitter. Criteria: Invitae Variant Classification Sherloc (09022015). Collection method: clinical testing. Allele origin: germline.
Comment: This sequence change replaces aspartic acid, which is acidic and polar, with alanine, which is neutral and non-polar, at codon 398 of the GSN protein (p.Asp398Ala). This variant is present in population databases (no rsID available, gnomAD no frequency). This variant has not been reported in the literature in individuals affected with GSN-related conditions. ClinVar contains an entry for this variant (Variation ID: 2041532). Invitae Evidence Modeling of protein sequence and biophysical properties (such as structural, functional, and spatial information, amino acid conservation, physicochemical variation, residue mobility, and thermodynamic stability) indicates that this missense variant is not expected to disrupt GSN protein function with a negative predictive value of 80%. In summary, the available evidence is currently insufficient to determine the role of this variant in disease. Therefore, it has been classified as a Variant of Uncertain Significance.

NM_198252.3(GSN):c.1040A>C (p.Asp347Ala)

Gene: GSN (gelsolin; plus strand). Cytogenetic location: 9q33.2.
Variant type: single nucleotide variant.
Coding change: c.1040A>C on transcript NM_198252.3 (MANE Select); coding-DNA position 1040, A replaced by C.
Protein change: p.Asp347Ala; replaces aspartic acid 347 with alanine.
Molecular consequence: missense variant.
Genome position (GRCh38, 1-based): chr9:121,318,729, A>C. VCF-style: chr9-121318729-A-C. GRCh37 (hg19) VCF-style: chr9-124081007-A-C.
Other names: c.1193A>C, p.Asp398Ala (NM_000177.5); c.1040A>C, p.Asp347Ala (NM_001127662.2, NM_001127664.2, NM_001127665.2 and 10 more transcripts); c.1148A>C, p.Asp383Ala (NM_001127663.2); c.1073A>C, p.Asp358Ala (NM_001127666.2, NM_001353063.2, NM_001353064.2 and 13 more transcripts); c.1091A>C, p.Asp364Ala (NM_001258029.2); c.1064A>C, p.Asp355Ala (NM_001258030.2); c.1112A>C, p.Asp371Ala (NM_001353076.2); c.386A>C, p.Asp129Ala (NM_001353078.2); short protein forms D347A, D358A, D355A, D129A, D364A, D371A, D383A, D398A.
Identifiers: ClinVar variation 2041532 (VCV002041532.4), dbSNP rs756698562, ClinGen allele CA374747050.